The following is an entry in ClinVar:

NM_016222.4(DDX41):c.1412G>T (p.Arg471Leu)

Gene: DDX41 (DEAD-box helicase 41; minus strand). Cytogenetic location: 5q35.3.
Variant type: single nucleotide variant.
Coding change: c.1412G>T on transcript NM_016222.4 (MANE Select); coding-DNA position 1412, G replaced by T.
Protein change: p.Arg471Leu; replaces arginine 471 with leucine.
Molecular consequence: missense variant.
Genome position (GRCh38, 1-based): chr5:177,512,633, C>A on the plus strand (G>T on the coding strand, the complement: DDX41 is on the minus strand). VCF-style: chr5-177512633-C-A. GRCh37 (hg19) VCF-style: chr5-176939634-C-A.
Other names: c.1034G>T, p.Arg345Leu (NM_001321732.2, NM_001321830.2); short protein forms R345L, R471L.
Identifiers: ClinVar variation 4617210 (VCV004617210.1).

ClinVar aggregate classification (germline): Uncertain significance (1 of 4 stars; one submission).

Conditions:
Inborn genetic diseases. Identifiers: MedGen C0950123, MeSH D030342.

Submission:

Ambry Genetics
Classification: Uncertain significance for Inborn genetic diseases. Last evaluated: 2025-11-25. Review status: criteria provided, single submitter. Criteria: Ambry Variant Classification Scheme 2023. Collection method: clinical testing. Allele origin: germline.
Comment: The p.R471L variant (also known as c.1412G>T), located in coding exon 14 of the DDX41 gene, results from a G to T substitution at nucleotide position 1412. The arginine at codon 471 is replaced by leucine, an amino acid with dissimilar properties. This amino acid position is conserved. In addition, this alteration is predicted to be deleterious by in silico analysis. Based on the available evidence, the clinical significance of this variant remains unclear.